The following is an entry in ClinVar:

NM_004700.4(KCNQ4):c.110dup (p.Gly38fs)

Gene: KCNQ4 (potassium voltage-gated channel subfamily Q member 4; plus strand). Cytogenetic location: 1p34.2.
Variant type: Duplication.
Coding change: c.110dup on transcript NM_004700.4 (MANE Select); coding-DNA position 110, one base duplicated (G; older notation c.110dupG).
Protein change: p.Gly38fs; shifts the reading frame from glycine 38.
Molecular consequence: frameshift variant.
Genome position (GRCh38, 1-based): chr1:40,784,203, G duplicated; the last of 3 consecutive G bases (chr1:40,784,201-40,784,203); duplicating any one gives the same sequence. VCF-style (leftmost placement, unchanged base first): chr1-40784200-C-CG. GRCh37 (hg19) VCF-style: chr1-41249872-C-CG.
Other names: c.110dup, p.Gly38fs (NM_172163.3); c.110dupG (NM_004700.3); short protein forms G38fs.
Identifiers: ClinVar variation 3343127 (VCV003343127.4).

ClinVar aggregate classification (germline): Conflicting classifications of pathogenicity. Review status: criteria provided, conflicting classifications (1 of 4 stars). 3 submissions from 3 submitters: Pathogenic (1); Uncertain significance (2). Last evaluated 2025-08-01.

Conditions:
KCNQ4-related disorder. Also called: KCNQ4-related condition.

Submissions (3):

PreventionGenetics, part of Exact Sciences
Classification: Uncertain significance for KCNQ4-related condition. Last evaluated: 2025-08-01. Review status: criteria provided, single submitter. Criteria: ACMG Guidelines, 2015. Collection method: clinical testing. Allele origin: germline.
Comment: The KCNQ4 c.110dupG variant is predicted to result in a frameshift and premature protein termination (p.Gly38Argfs*198). To our knowledge, this variant has not been reported in the literature or in a large population database (gnomAD), indicating this variant is rare. No truncating variants in KCNQ4 upstream of this position have been reported as pathogenic. Although we suspect that this variant may be pathogenic, at this time, the clinical significance of this variant is uncertain due to the absence of conclusive functional and genetic evidence.

Labcorp Genetics (formerly Invitae), Labcorp
Classification: Pathogenic. Last evaluated: 2024-11-19. Review status: criteria provided, single submitter. Criteria: Invitae Variant Classification Sherloc (09022015). Collection method: clinical testing. Allele origin: germline.
Comment: This sequence change creates a premature translational stop signal (p.Gly38Argfs*198) in the KCNQ4 gene. It is expected to result in an absent or disrupted protein product. Loss-of-function variants in KCNQ4 are known to be pathogenic (PMID: 23717403). The frequency data for this variant in the population databases is considered unreliable, as metrics indicate insufficient coverage at this position in the gnomAD database. This variant has not been reported in the literature in individuals affected with KCNQ4-related conditions. For these reasons, this variant has been classified as Pathogenic.

GeneDx
Classification: Uncertain significance. Last evaluated: 2024-01-30. Review status: criteria provided, single submitter. Criteria: GeneDx Variant Classification Process June 2021. Collection method: clinical testing. Allele origin: germline. Affected: yes.
Comment: Frameshift variant predicted to result in protein truncation or nonsense mediated decay in a gene for which loss-of-function is not a known mechanism of disease; Not observed at significant frequency in large population cohorts (gnomAD); Has not been previously published as pathogenic or benign to our knowledge

Literature cited by the submitters: PubMed 23717403 (cited by Labcorp Genetics (formerly Invitae), Labcorp).